The following is an entry in ClinVar:

ClinVar aggregate classification (germline): Uncertain significance. Review status: criteria provided, multiple submitters, no conflicts (2 of 4 stars). 3 submissions from 3 submitters: Uncertain significance (2). 1 of the submissions does not count toward it. Last evaluated 2024-06-26.

Conditions:
Fanconi anemia complementation group P. Also called: SLX4-Related Fanconi Anemia. Identifiers: Orphanet 84, MedGen C3469542, MONDO:0013499, OMIM 613951.
SLX4-related disorder. Also called: SLX4-related condition.
Fanconi anemia (FA). Also called: Fanconi's anemia. Identifiers: Orphanet 84, MedGen C0015625, MeSH D005199, MONDO:0019391.

Allele frequency attached by ClinVar (database versions not stated): gnomAD 0.00006 and 0.00009; TOPMed 0.00007; ESP Exome Variant Server 0.00008; gnomAD exomes 0.00009; ExAC 0.00010; 1000 Genomes Project 30x 0.00016; 1000 Genomes Project 0.00020.
gnomAD v4.1: 110 of 1,613,146 alleles (0.0068%); highest among the groups gnomAD compares: South Asian, 0.069%; no homozygotes.

Submissions (3):

Labcorp Genetics (formerly Invitae), Labcorp
Classification: Uncertain significance for Fanconi anemia. Last evaluated: 2024-06-26. Review status: criteria provided, single submitter. Criteria: Invitae Variant Classification Sherloc (09022015). Collection method: clinical testing. Allele origin: germline.
Comment: This sequence change replaces arginine, which is basic and polar, with glutamine, which is neutral and polar, at codon 1826 of the SLX4 protein (p.Arg1826Gln). This variant is present in population databases (rs373558741, gnomAD 0.07%). This variant has not been reported in the literature in individuals affected with SLX4-related conditions. ClinVar contains an entry for this variant (Variation ID: 407929). An algorithm developed to predict the effect of missense changes on protein structure and function (PolyPhen-2) suggests that this variant¬†is likely to be tolerated. In summary, the available evidence is currently insufficient to determine the role of this variant in disease. Therefore, it has been classified as a Variant of Uncertain Significance.

Fulgent Genetics
Classification: Uncertain significance for Fanconi anemia complementation group P. Last evaluated: 2024-04-30. Review status: criteria provided, single submitter. Criteria: ACMG Guidelines, 2015. Collection method: clinical testing. Allele origin: germline.

PreventionGenetics, part of Exact Sciences
Classification: Uncertain significance for SLX4-related condition. Last evaluated: 2024-07-10. Review status: no assertion criteria provided. Collection method: clinical testing. Allele origin: germline. Not counted in ClinVar's aggregate classification.
Comment: The SLX4 c.5477G>A variant is predicted to result in the amino acid substitution p.Arg1826Gln. To our knowledge, this variant has not been reported in the literature. This variant is reported in 0.069% of alleles in individuals of South Asian descent in gnomAD. At this time, the clinical significance of this variant is uncertain due to the absence of conclusive functional and genetic evidence.

NM_032444.4(SLX4):c.5477G>A (p.Arg1826Gln)

Gene: SLX4 (SLX4 structure-specific endonuclease subunit; minus strand). Cytogenetic location: 16p13.3.
Variant type: single nucleotide variant.
Coding change: c.5477G>A on transcript NM_032444.4 (MANE Select); coding-DNA position 5477, G replaced by A.
Protein change: p.Arg1826Gln; replaces arginine 1826 with glutamine.
Molecular consequence: missense variant.
Genome position (GRCh38, 1-based): chr16:3,582,370, C>T on the plus strand (G>A on the coding strand, the complement: SLX4 is on the minus strand). VCF-style: chr16-3582370-C-T. GRCh37 (hg19) VCF-style: chr16-3632371-C-T.
Other names: c.5477G>A (LRG_503t1, NM_032444.3); short protein forms R1826Q.
Identifiers: ClinVar variation 407929 (VCV000407929.14), dbSNP rs373558741, ClinGen allele CA7865294.